The following is an entry in ClinVar:

ClinVar aggregate classification (germline): Uncertain significance (1 of 4 stars; one submission).

Conditions:
Parathyroid carcinoma (PRTC). Also called: CDC73-Related Parathyroid Carcinoma; Parathyroid gland carcinoma. Identifiers: Orphanet 143, MedGen C0687150, MONDO:0012004, OMIM 608266, HP:0006780.

Submission:

Labcorp Genetics (formerly Invitae), Labcorp
Classification: Uncertain significance for Parathyroid carcinoma. Last evaluated: 2018-08-31. Review status: criteria provided, single submitter. Criteria: Invitae Variant Classification Sherloc (09022015). Collection method: clinical testing. Allele origin: germline.
Comment: This sequence change falls in intron 12 of the CDC73 gene. It does not directly change the encoded amino acid sequence of the CDC73 protein, but it affects a nucleotide within the consensus splice site of the intron. This variant is not present in population databases (ExAC no frequency). This variant has not been reported in the literature in individuals with CDC73-related disease. Nucleotide substitutions within the consensus splice site are a relatively common cause of aberrant splicing (PMID: 17576681, 9536098). Algorithms developed to predict the effect of sequence changes on RNA splicing suggest that this variant may disrupt the consensus splice site, but this prediction has not been confirmed by published transcriptional studies. In summary, the available evidence is currently insufficient to determine the role of this variant in disease. Therefore, it has been classified as a Variant of Uncertain Significance.

Literature cited by the submitters: PubMed 17576681; PubMed 9536098.

NM_024529.5(CDC73):c.1067-3T>A

Gene: CDC73 (cell division cycle 73; plus strand). Cytogenetic location: 1q31.2.
Variant type: single nucleotide variant.
Coding change: c.1067-3T>A on transcript NM_024529.5 (MANE Select); 3 bases into the intron before coding-DNA position 1067, T replaced by A.
Molecular consequence: intron variant.
Genome position (GRCh38, 1-based): chr1:193,212,387, T>A. VCF-style: chr1-193212387-T-A. GRCh37 (hg19) VCF-style: chr1-193181517-T-A.
Identifiers: ClinVar variation 656361 (VCV000656361.9), dbSNP rs1572202351, ClinGen allele CA915941930.